The following is an entry in ClinVar:

ClinVar aggregate classification (germline): Uncertain significance (1 of 4 stars; one submission).

Conditions:
SLC7A9-related disorder. Also called: SLC7A9-related condition.

Allele frequency attached by ClinVar (database versions not stated): gnomAD exomes 0.00001.
gnomAD v4.1: 13 of 1,613,392 alleles (0.00081%); highest among the groups gnomAD compares: Non-Finnish European, 0.0011%; no homozygotes.

Submission:

PreventionGenetics, part of Exact Sciences
Classification: Uncertain significance for SLC7A9-related condition. Last evaluated: 2023-04-20. Review status: criteria provided, single submitter. Criteria: ACMG Guidelines, 2015. Collection method: clinical testing. Allele origin: germline.
Comment: The SLC7A9 c.910A>C variant is predicted to result in the amino acid substitution p.Ile304Leu. To our knowledge, this variant has not been reported in the literature. This variant is reported in 0.00088% of alleles in individuals of European (Non-Finnish) descent in gnomAD. At this time, the clinical significance of this variant is uncertain due to the absence of conclusive functional and genetic evidence.

NM_014270.5(SLC7A9):c.910A>C (p.Ile304Leu)

Gene: SLC7A9 (solute carrier family 7 member 9; minus strand). Cytogenetic location: 19q13.11.
Variant type: single nucleotide variant.
Coding change: c.910A>C on transcript NM_014270.5 (MANE Select); coding-DNA position 910, A replaced by C.
Protein change: p.Ile304Leu; replaces isoleucine 304 with leucine.
Molecular consequence: missense variant.
Genome position (GRCh38, 1-based): chr19:32,858,507, T>G on the plus strand (A>C on the coding strand, the complement: SLC7A9 is on the minus strand). VCF-style: chr19-32858507-T-G. GRCh37 (hg19) VCF-style: chr19-33349413-T-G.
Other names: c.910A>C, p.Ile304Leu (NM_001126335.2, NM_001243036.2); short protein forms I304L.
Identifiers: ClinVar variation 2633240 (VCV002633240.1), dbSNP rs1470791128, ClinGen allele CA405200842.